The following is an entry in ClinVar:

ClinVar aggregate classification (germline): Likely benign (1 of 4 stars; one submission).

Conditions:
TUBB4B-related disorder. Also called: TUBB4B-related condition.

gnomAD v4.1: 28 of 1,613,676 alleles (0.0017%); highest among the groups gnomAD compares: Non-Finnish European, 0.0023%; no homozygotes.

Submission:

PreventionGenetics, part of Exact Sciences
Classification: Likely benign for TUBB4B-related condition. Last evaluated: 2025-09-24. Review status: criteria provided, single submitter. Criteria: ACMG Guidelines, 2015. Collection method: clinical testing. Allele origin: germline.
Comment: This variant is classified as likely benign based on ACMG/AMP sequence variant interpretation guidelines (Richards et al. 2015 PMID: 25741868, with internal and published modifications).

NM_006088.6(TUBB4B):c.498G>T (p.Thr166=)

Gene: TUBB4B (tubulin beta 4B class IVb; plus strand). Cytogenetic location: 9q34.3.
Variant type: single nucleotide variant.
Coding change: c.498G>T on transcript NM_006088.6 (MANE Select); coding-DNA position 498, G replaced by T.
Protein change: p.Thr166=; no amino-acid change (threonine 166 retained).
Molecular consequence: synonymous variant.
Genome position (GRCh38, 1-based): chr9:137,242,716, G>T. VCF-style: chr9-137242716-G-T. GRCh37 (hg19) VCF-style: chr9-140137168-G-T.
Identifiers: ClinVar variation 4978582 (VCV004978582.1).